The following is an entry in ClinVar:

ClinVar aggregate classification (germline): Conflicting classifications of pathogenicity. Review status: criteria provided, conflicting classifications (1 of 4 stars). 4 submissions from 3 submitters: Likely pathogenic (1); Uncertain significance (3). Last evaluated 2025-07-07.

Conditions:
Ehlers-Danlos syndrome (EDS). Identifiers: Orphanet 98249, MedGen C0013720, MONDO:0020066.
Osteogenesis imperfecta (OI). Identifiers: Orphanet 666, MedGen C0029434, MeSH D010013, MONDO:0019019.
Ehlers-Danlos syndrome, classic type, 1 (EDSCL1). Also called: Ehlers-Danlos syndrome, type 1; Ehlers-Danlos Syndrome, Classic Type, COL5A1-Related; EDS I; EHLERS-DANLOS SYNDROME, GRAVIS TYPE; EHLERS-DANLOS SYNDROME, SEVERE CLASSIC TYPE. Identifiers: MedGen C0268335, MONDO:0019567, OMIM 130000.
Osteogenesis imperfecta type I (OI1). Also called: Lobstein disease; Lobstein's Disease; OI, TYPE I; OSTEOGENESIS IMPERFECTA TARDA; OSTEOGENESIS IMPERFECTA WITH BLUE SCLERAE; Osteogenesis imperfecta type 1. Identifiers: Orphanet 216796, Orphanet 666, MedGen C0023931, MONDO:0008146, OMIM 166200. Disease mechanism: loss of function.
COL1A2-related disorder. Also called: COL1A2-related condition; COL1A2-Related Disorders.

Submissions (4):

PreventionGenetics, part of Exact Sciences
Classification: Uncertain significance for COL1A2-related condition. Last evaluated: 2025-07-07. Review status: criteria provided, single submitter. Criteria: ACMG Guidelines, 2015. Collection method: clinical testing. Allele origin: germline.
Comment: The COL1A2 c.693+6T>G variant is predicted to interfere with splicing. which is predicted to slightly weaken splicing (Splice AI, Jaganathan et al. 2019. PubMed ID: 30661751). However, the use of computer prediction programs is not equivalent to functional evidence. To our knowledge, this variant has not been reported in the literature or in a large population database (gnomAD), indicating this variant is rare. In ClinVar, this variant has conflicting interpretations in ClinVar ranging from uncertain to likely pathogenic. A nearby intronic variant (c.693+5G>A) has been reported in two individuals with osteogenesis Imperfecta (OI) or OI/Ehlers-Danlos syndrome (patient 7 in Table 1, reported as Skip ex 14, Malfait et al. 2013. PubMed ID: 23692737; Table S1, Chen et al. 2022. PubMed ID: 35154279). This variant could be pathogenic. At this time, the clinical significance of this variant is uncertain due to the absence of conclusive functional and genetic evidence.

Labcorp Genetics (formerly Invitae), Labcorp
Classification: Likely pathogenic for Osteogenesis imperfecta type I; Ehlers-Danlos syndrome, classic type, 1. Last evaluated: 2024-04-22. Review status: criteria provided, single submitter. Criteria: Invitae Variant Classification Sherloc (09022015). Collection method: clinical testing. Allele origin: germline.
Comment: This sequence change falls in intron 14 of the COL1A2 gene. It does not directly change the encoded amino acid sequence of the COL1A2 protein. It affects a nucleotide within the consensus splice site. This variant is not present in population databases (gnomAD no frequency). This variant has been observed in individuals with clinical features of autosomal dominant osteogenesis imperfecta (Invitae). It has also been observed to segregate with disease in related individuals. ClinVar contains an entry for this variant (Variation ID: 1467432). Variants that disrupt the consensus splice site are a relatively common cause of aberrant splicing (PMID: 17576681, 9536098). Algorithms developed to predict the effect of sequence changes on RNA splicing suggest that this variant may disrupt the consensus splice site. In summary, the currently available evidence indicates that the variant is pathogenic, but additional data are needed to prove that conclusively. Therefore, this variant has been classified as Likely Pathogenic.

Genome Diagnostics Laboratory, The Hospital for Sick Children
Classification: Uncertain significance for Osteogenesis imperfecta. Last evaluated: 2021-06-25. Review status: criteria provided, single submitter. Criteria: ACMG Guidelines, 2015. Collection method: clinical testing. Allele origin: germline.

Genome Diagnostics Laboratory, The Hospital for Sick Children
Classification: Uncertain significance for Ehlers-Danlos syndrome. Last evaluated: 2018-10-01. Review status: criteria provided, single submitter. Criteria: ACMG Guidelines, 2015. Collection method: clinical testing. Allele origin: germline.

Literature cited by the submitters: PubMed 17576681 (cited by Labcorp Genetics (formerly Invitae), Labcorp); PubMed 9536098 (cited by Labcorp Genetics (formerly Invitae), Labcorp).

NM_000089.4(COL1A2):c.693+6T>G

Gene: COL1A2 (collagen type I alpha 2 chain; plus strand). Cytogenetic location: 7q21.3.
Variant type: single nucleotide variant.
Coding change: c.693+6T>G on transcript NM_000089.4 (MANE Select); 6 bases into the intron after coding-DNA position 693, T replaced by G.
Molecular consequence: intron variant.
Genome position (GRCh38, 1-based): chr7:94,408,242, T>G. VCF-style: chr7-94408242-T-G. GRCh37 (hg19) VCF-style: chr7-94037554-T-G.
Identifiers: ClinVar variation 1467432 (VCV001467432.10), dbSNP rs2115888140, ClinGen allele CA2573142434.